The following is an entry in ClinVar:

ClinVar aggregate classification (germline): Uncertain significance. Review status: criteria provided, multiple submitters, no conflicts (2 of 4 stars). 3 submissions from 3 submitters: Uncertain significance (3). Last evaluated 2025-07-04.

Conditions:
Cardiovascular phenotype. Identifiers: MedGen CN230736.
RASopathy. Also called: rasopathies; Noonan spectrum disorder. Identifiers: Orphanet 536391, MedGen C5555857, MONDO:0021060.

Submissions (3):

Ambry Genetics
Classification: Uncertain significance for Cardiovascular phenotype. Last evaluated: 2025-07-04. Review status: criteria provided, single submitter. Criteria: Ambry Variant Classification Scheme 2023. Collection method: clinical testing. Allele origin: germline.
Comment: The p.T264I variant (also known as c.791C>T), located in coding exon 5 of the CBL gene, results from a C to T substitution at nucleotide position 791. The threonine at codon 264 is replaced by isoleucine, an amino acid with similar properties. This amino acid position is conserved. In addition, this alteration is predicted to be deleterious by in silico analysis. Based on the available evidence, the clinical significance of this variant remains unclear.

Labcorp Genetics (formerly Invitae), Labcorp
Classification: Uncertain significance for RASopathy. Last evaluated: 2024-03-18. Review status: criteria provided, single submitter. Criteria: Invitae Variant Classification Sherloc (09022015). Collection method: clinical testing. Allele origin: germline.
Comment: This sequence change replaces threonine, which is neutral and polar, with isoleucine, which is neutral and non-polar, at codon 264 of the CBL protein (p.Thr264Ile). This variant is not present in population databases (gnomAD no frequency). This variant has not been reported in the literature in individuals affected with CBL-related conditions. ClinVar contains an entry for this variant (Variation ID: 2577050). Advanced modeling of protein sequence and biophysical properties (such as structural, functional, and spatial information, amino acid conservation, physicochemical variation, residue mobility, and thermodynamic stability) has been performed at Invitae for this missense variant, however the output from this modeling did not meet the statistical confidence thresholds required to predict the impact of this variant on CBL protein function. In summary, the available evidence is currently insufficient to determine the role of this variant in disease. Therefore, it has been classified as a Variant of Uncertain Significance.

Women's Health and Genetics/Laboratory Corporation of America, LabCorp
Classification: Uncertain significance. Last evaluated: 2023-07-17. Review status: criteria provided, single submitter. Criteria: LabCorp Variant Classification Summary - May 2015. Collection method: clinical testing. Allele origin: germline.

NM_005188.4(CBL):c.791C>T (p.Thr264Ile)

Gene: CBL (Cbl proto-oncogene; plus strand). Cytogenetic location: 11q23.3.
Variant type: single nucleotide variant.
Coding change: c.791C>T on transcript NM_005188.4 (MANE Select); coding-DNA position 791, C replaced by T.
Protein change: p.Thr264Ile; replaces threonine 264 with isoleucine.
Molecular consequence: missense variant.
Genome position (GRCh38, 1-based): chr11:119,274,875, C>T. VCF-style: chr11-119274875-C-T. GRCh37 (hg19) VCF-style: chr11-119145585-C-T.
Other names: c.791C>T (NM_005188.2); short protein forms T264I.
Identifiers: ClinVar variation 2577050 (VCV002577050.4), dbSNP rs2135300566, ClinGen allele CA382910779.